The following is an entry in ClinVar:

NM_014861.4(ATP2C2):c.1644G>A (p.Gly548=)

Gene: ATP2C2 (ATPase secretory pathway Ca2+ transporting 2; plus strand). Cytogenetic location: 16q24.1.
Variant type: single nucleotide variant.
Coding change: c.1644G>A on transcript NM_014861.4 (MANE Select); coding-DNA position 1644, G replaced by A.
Protein change: p.Gly548=; no amino-acid change (glycine 548 retained).
Molecular consequence: synonymous variant.
Genome position (GRCh38, 1-based): chr16:84,448,673, G>A. VCF-style: chr16-84448673-G-A. GRCh37 (hg19) VCF-style: chr16-84482279-G-A.
Other names: c.1644G>A, p.Gly548= (NM_001286527.3); c.1191G>A, p.Gly397= (NM_001291454.2).
Identifiers: ClinVar variation 2646920 (VCV002646920.24), dbSNP rs62640930, ClinGen allele CA8207491.

ClinVar aggregate classification (germline): Likely benign (1 of 4 stars; one submission).

Allele frequency attached by ClinVar (database versions not stated): 1000 Genomes Project 30x 0.00109; 1000 Genomes Project 0.00120; ESP Exome Variant Server 0.00259.
gnomAD v4.1: 5,112 of 1,613,168 alleles (0.32%); highest among the groups gnomAD compares: Middle Eastern, 0.45%; 18 homozygotes.

Submission:

CeGaT Center for Human Genetics Tuebingen
Classification: Likely benign. Last evaluated: 2022-11-01. Review status: criteria provided, single submitter. Criteria: CeGaT Center For Human Genetics Tuebingen Variant Classification Criteria Version 2. Collection method: clinical testing. Allele origin: germline. Affected: yes. Observed: 1 variant allele.
Comment: ATP2C2: BP4, BP7, BS2